The following is an entry in ClinVar:

NM_001846.4(COL4A2):c.887G>A (p.Gly296Glu)

Gene: COL4A2 (collagen type IV alpha 2 chain; plus strand). Cytogenetic location: 13q34.
Variant type: single nucleotide variant.
Coding change: c.887G>A on transcript NM_001846.4 (MANE Select); coding-DNA position 887, G replaced by A.
Protein change: p.Gly296Glu; replaces glycine 296 with glutamic acid.
Molecular consequence: missense variant.
Genome position (GRCh38, 1-based): chr13:110,438,643, G>A. VCF-style: chr13-110438643-G-A. GRCh37 (hg19) VCF-style: chr13-111090990-G-A.
Other names: short protein forms G296E.
Identifiers: ClinVar variation 4874573 (VCV004874573.2).

ClinVar aggregate classification (germline): Likely pathogenic (1 of 4 stars; one submission).

Submission:

CeGaT Center for Human Genetics Tuebingen
Classification: Likely pathogenic. Last evaluated: 2026-04-01. Review status: criteria provided, single submitter. Criteria: CeGaT Center For Human Genetics Tuebingen Variant Classification Criteria Version 2. Collection method: clinical testing. Allele origin: germline. Affected: yes. Observed: 1 variant allele.
Comment: COL4A2: PM1:Strong, PM2